The following is an entry in ClinVar:

NM_001130965.3(SUN1):c.991C>T (p.Arg331Trp)

Gene: SUN1 (Sad1 and UNC84 domain containing 1; plus strand). Cytogenetic location: 7p22.3.
Variant type: single nucleotide variant.
Coding change: c.991C>T on transcript NM_001130965.3 (MANE Select); coding-DNA position 991, C replaced by T.
Protein change: p.Arg331Trp; replaces arginine 331 with tryptophan.
Molecular consequence: missense variant. On other transcripts: non-coding transcript variant (3).
Genome position (GRCh38, 1-based): chr7:852,890, C>T. VCF-style: chr7-852890-C-T. GRCh37 (hg19) VCF-style: chr7-892527-C-T.
Other names: c.1033C>T, p.Arg345Trp (NM_001367647.1, NM_001367668.1); c.853C>T, p.Arg285Trp (NM_001367648.1); c.1036C>T, p.Arg346Trp (NM_001367649.1); c.1405C>T, p.Arg469Trp (NM_001367651.1); c.991C>T, p.Arg331Trp (NM_001367653.1, NM_001367633.1, NM_001367634.1 and 1 more transcripts); c.1234C>T, p.Arg412Trp (NM_001367655.1, NM_001367666.1); c.277C>T, p.Arg93Trp (NM_001367658.1); c.841C>T, p.Arg281Trp (NM_001367660.1, NM_001367670.1); and 39 more; short protein forms R308W, R309W, R318W, R345W, R346W, R358W, R367W, R368W.
Identifiers: ClinVar variation 1977455 (VCV001977455.6), dbSNP rs780354568, ClinGen allele CA4112031.
Genomic context (GRCh38, chr7:852,890, plus strand): 5'-CAGGGCAATTTCTTTTCGTTCTTGCCCGTGTTGAACTGGGCAAGCATGCATAGAACACAG[C>T]GGGTGGATGACCCCCAGGACGTGTTTAAACCCACGACTTCTCGCCTGAAGCAGCCTCTGC-3'
Protein context (NP_001124437.1, residues 321-341): LNWASMHRTQ[Arg331Trp]VDDPQDVFKP

ClinVar aggregate classification (germline): Uncertain significance. Review status: criteria provided, multiple submitters, no conflicts (2 of 4 stars). 2 submissions from 2 submitters: Uncertain significance (2). Last evaluated 2024-10-01.

Conditions:
Emery-Dreifuss muscular dystrophy (EDMD). Also called: Scapuloperoneal syndrome, X-linked (formerly); Humeroperoneal neuromuscular disease, (formerly). Identifiers: Orphanet 261, MedGen C0410189, MONDO:0016830.

Allele frequency attached by ClinVar (database versions not stated): gnomAD exomes 0.00001; ExAC 0.00002; TOPMed 0.00002.
gnomAD v4.1: 20 of 1,613,964 alleles (0.0012%); highest among the groups gnomAD compares: South Asian, 0.0088%; no homozygotes.

Submissions (2):

Ambry Genetics
Classification: Uncertain significance. Last evaluated: 2024-10-01. Review status: criteria provided, single submitter. Criteria: Ambry Variant Classification Scheme 2023. Collection method: clinical testing. Allele origin: germline.

Labcorp Genetics (formerly Invitae), Labcorp
Classification: Uncertain significance for Emery-Dreifuss muscular dystrophy. Last evaluated: 2022-09-01. Review status: criteria provided, single submitter. Criteria: Invitae Variant Classification Sherloc (09022015). Collection method: clinical testing. Allele origin: germline.
Comment: In summary, the available evidence is currently insufficient to determine the role of this variant in disease. Therefore, it has been classified as a Variant of Uncertain Significance. Algorithms developed to predict the effect of missense changes on protein structure and function (SIFT, PolyPhen-2, Align-GVGD) all suggest that this variant is likely to be tolerated. This variant has not been reported in the literature in individuals affected with SUN1-related conditions. This variant is present in population databases (rs780354568, gnomAD 0.01%). This sequence change replaces arginine, which is basic and polar, with tryptophan, which is neutral and slightly polar, at codon 331 of the SUN1 protein (p.Arg331Trp).